The following is an entry in ClinVar:

ClinVar aggregate classification (germline): Uncertain significance (1 of 4 stars; one submission).

Submission:

Ambry Genetics
Classification: Uncertain significance. Last evaluated: 2025-05-22. Review status: criteria provided, single submitter. Criteria: Ambry Variant Classification Scheme 2023. Collection method: clinical testing. Allele origin: germline.
Comment: The p.K703Q variant (also known as c.2107A>C), located in coding exon 3 of the CDK12 gene, results from an A to C substitution at nucleotide position 2107. The lysine at codon 703 is replaced by glutamine, an amino acid with similar properties. This amino acid position is conserved. In addition, the in silico prediction for this alteration is inconclusive. Based on the available evidence, the clinical significance of this variant remains unclear.

NM_016507.4(CDK12):c.2107A>C (p.Lys703Gln)

Gene: CDK12 (cyclin dependent kinase 12; plus strand). Cytogenetic location: 17q12.
Variant type: single nucleotide variant.
Coding change: c.2107A>C on transcript NM_016507.4 (MANE Select); coding-DNA position 2107, A replaced by C.
Protein change: p.Lys703Gln; replaces lysine 703 with glutamine.
Molecular consequence: missense variant.
Genome position (GRCh38, 1-based): chr17:39,490,732, A>C. VCF-style: chr17-39490732-A-C. GRCh37 (hg19) VCF-style: chr17-37646985-A-C.
Other names: c.2107A>C, p.Lys703Gln (NM_015083.4); short protein forms K703Q.
Identifiers: ClinVar variation 3999483 (VCV003999483.1).